The following is an entry in ClinVar:

ClinVar aggregate classification (germline): Benign. Review status: criteria provided, multiple submitters, no conflicts (2 of 4 stars). 2 submissions from 2 submitters: Benign (2). Last evaluated 2018-06-19.

Allele frequency attached by ClinVar (database versions not stated): gnomAD 0.19042 and 0.19102; TOPMed 0.19776; 1000 Genomes Project 30x 0.23485; 1000 Genomes Project 0.23602.
gnomAD v4.1: 213,053 of 1,382,576 alleles (15%); highest among the groups gnomAD compares: East Asian, 45%; 19,321 homozygotes.

Submissions (2):

GeneDx
Classification: Benign. Last evaluated: 2018-06-19. Review status: criteria provided, single submitter. Criteria: GeneDx Variant Classification (06012015). Collection method: clinical testing. Allele origin: germline. Affected: yes.
Comment: This variant is considered likely benign or benign based on one or more of the following criteria: it is a conservative change, it occurs at a poorly conserved position in the protein, it is predicted to be benign by multiple in silico algorithms, and/or has population frequency not consistent with disease.

Breakthrough Genomics
Classification: Benign. Review status: criteria provided, single submitter. Criteria: ACMG Guidelines, 2015. Collection method: not provided. Allele origin: germline. Inheritance: Autosomal dominant inheritance. Affected: yes.

NM_172107.4(KCNQ2):c.1764-133A>G

Gene: KCNQ2 (potassium voltage-gated channel subfamily Q member 2; minus strand). Cytogenetic location: 20q13.33.
Variant type: single nucleotide variant.
Coding change: c.1764-133A>G on transcript NM_172107.4 (MANE Select); 133 bases into the intron before coding-DNA position 1764, A replaced by G.
Molecular consequence: intron variant.
Genome position (GRCh38, 1-based): chr20:63,408,669, T>C on the plus strand (A>G on the coding strand, the complement: KCNQ2 is on the minus strand). VCF-style: chr20-63408669-T-C. GRCh37 (hg19) VCF-style: chr20-62040022-T-C.
Other names: c.1680-133A>G (NM_004518.6); c.1671-133A>G (NM_172108.5); c.1710-133A>G (NM_172106.3).
Identifiers: ClinVar variation 682053 (VCV000682053.2), dbSNP rs2236197, ClinGen allele CA317424009.